The following is an entry in ClinVar:

ClinVar aggregate classification (germline): Pathogenic. Review status: criteria provided, multiple submitters, no conflicts (2 of 4 stars). 8 submissions from 8 submitters: Pathogenic (7). 1 of the submissions does not count toward it. Last evaluated 2026-01-16.

Conditions:
Hereditary cancer-predisposing syndrome. Also called: Neoplastic Syndromes, Hereditary; Tumor predisposition; Hereditary neoplastic syndrome; Hereditary Cancer Syndrome. Identifiers: Orphanet 140162, MedGen C0027672, MeSH D009386, MONDO:0015356.
Birt-Hogg-Dube syndrome 1 (BHD1). Also called: FIBROFOLLICULOMAS WITH TRICHODISCOMAS AND ACROCHORDONS. Identifiers: Orphanet 122, MedGen CN375946, MONDO:0800445, OMIM 135150.
FLCN-related disorder. Also called: FLCN-related condition.
Birt-Hogg-Dube syndrome. Also called: Birt Hogg Dubé syndrome. Identifiers: Orphanet 122, MedGen C0346010, MONDO:0800444.

Submissions (8):

Labcorp Genetics (formerly Invitae), Labcorp
Classification: Pathogenic for Birt-Hogg-Dube syndrome. Last evaluated: 2026-01-16. Review status: criteria provided, single submitter. Criteria: Invitae Variant Classification Sherloc (09022015). Collection method: clinical testing. Allele origin: germline.
Comment: This sequence change creates a premature translational stop signal (p.Gly195Glufs*28) in the FLCN gene. It is expected to result in an absent or disrupted protein product. Loss-of-function variants in FLCN are known to be pathogenic (PMID: 15852235). This variant is not present in population databases (gnomAD no frequency). This premature translational stop signal has been observed in individuals with Birt-Hogg-Dubé syndrome (PMID: 15852235, 18234728). This variant is also known as c.1036delG and c.1039delG. ClinVar contains an entry for this variant (Variation ID: 241927). For these reasons, this variant has been classified as Pathogenic.

Ambry Genetics
Classification: Pathogenic for Hereditary cancer-predisposing syndrome. Last evaluated: 2025-03-30. Review status: criteria provided, single submitter. Criteria: Ambry Variant Classification Scheme 2023. Collection method: clinical testing. Allele origin: germline.
Comment: The c.584delG pathogenic mutation, located in coding exon 3 of the FLCN gene, results from a deletion of one nucleotide at nucleotide position 584, causing a translational frameshift with a predicted alternate stop codon (p.G195EFS*28). This mutation has been reported in multiple unrelated individuals with a clinical diagnosis of Birt-Hogg-Dube (BHD) syndrome (Schmidt LS et al. Am. J. Hum. Genet. 2005 Jun;76:1023-33; Toro JR et al. J. Med. Genet. 2008 Jun;45:321-31; Rossing M et al. J Hum Genet. 2017 Feb;62(2):151-157). Of note, this alteration is also designated as c.1039delG and c.1036delG in published literature. This variant is considered to be rare based on population cohorts in the Genome Aggregation Database (gnomAD). In addition to the clinical data presented in the literature, this alteration is expected to result in loss of function by premature protein truncation or nonsense-mediated mRNA decay. As such, this alteration is interpreted as a disease-causing mutation.

Baylor Genetics
Classification: Pathogenic for Birt-Hogg-Dube syndrome 1. Last evaluated: 2024-01-03. Review status: criteria provided, single submitter. Criteria: ACMG Guidelines, 2015. Collection method: clinical testing. Allele origin: unknown.

Institute for Genomic Medicine (IGM) Clinical Laboratory, Nationwide Children's Hospital
Classification: Pathogenic for Birt-Hogg-Dube syndrome 1. Last evaluated: 2023-08-24. Review status: criteria provided, single submitter. Criteria: ACMG Guidelines, 2015. Collection method: clinical testing. Allele origin: germline.
Comment: This variant is predicted to result in loss of function through nonsense-mediated decay of the encoded transcript or premature truncation of the encoded protein in a gene in which loss of function is a known mechanism of disease (ACMG/AMP: PVS1; PMIDs:15852235, 18234728, 27734835). This variant has been reported at an elevated frequency in affected individuals/in multiple affected individuals in the literature (ACMG/AMP: PS4_Moderate; PMIDs:15852235, 18234728, 27734835). This variant is absent from or present at an exceedingly low frequency in gnomAD, a large-scale control population database (ACMG/AMP: PM2).

Myriad Genetics, Inc.
Classification: Pathogenic for Birt-Hogg-Dube syndrome 1. Last evaluated: 2023-07-06. Review status: criteria provided, single submitter. Criteria: Myriad Autosomal Dominant, Autosomal Recessive and X-Linked Classification Criteria (2023). Collection method: clinical testing. Allele origin: unknown.
Comment: This variant is considered pathogenic. This variant creates a frameshift predicted to result in premature protein truncation.

GeneDx
Classification: Pathogenic. Last evaluated: 2020-02-19. Review status: criteria provided, single submitter. Criteria: GeneDx Variant Classification Process June 2021. Collection method: clinical testing. Allele origin: germline. Affected: yes.
Comment: Frameshift variant predicted to result in protein truncation or nonsense mediated decay in a gene for which loss-of-function is a known mechanism of disease; Not observed in large population cohorts (Lek 2016); Also known as c.1036delG and c.1039delG; This variant is associated with the following publications: (PMID: 27734835, 29357828, 19562744, 19802896, 21937013, 15852235, 18234728)

Genomic Diagnostic Laboratory, Division of Genomic Diagnostics, Children's Hospital of Philadelphia
Classification: Pathogenic for Birt-Hogg-Dube Syndrome. Last evaluated: 2016-07-18. Review status: criteria provided, single submitter. Criteria: DGD Variant Analysis Guidelines. Collection method: clinical testing. Allele origin: germline. Affected: yes. Observed: 3 variant alleles.
Comment: Clinical Testing

PreventionGenetics, part of Exact Sciences
Classification: Pathogenic for FLCN-related condition. Last evaluated: 2024-04-25. Review status: no assertion criteria provided. Collection method: clinical testing. Allele origin: germline. Not counted in ClinVar's aggregate classification.
Comment: The FLCN c.584delG variant is predicted to result in a frameshift and premature protein termination (p.Gly195Glufs*28). This variant has been reported in individuals with Birt-Hogg-Dube Syndrome (Schmidt et al. 2005. PubMed ID: 15852235; Toro et al. 2008. PubMed ID: 18234728). This variant has not been reported in a large population database and has been interpreted as pathogenic in the ClinVar database. Frameshift variants in FLCN are expected to be pathogenic. This variant is interpreted as pathogenic.

Literature cited by the submitters: PubMed 15852235 (cited by 3 submitters); PubMed 18234728 (cited by 3 submitters); PubMed 27734835 (cited by Institute for Genomic Medicine (IGM) Clinical Laboratory, Nationwide Children's Hospital).

NM_144997.7(FLCN):c.584del (p.Gly195fs)

Gene: FLCN (folliculin; minus strand). Cytogenetic location: 17p11.2.
Variant type: Deletion.
Coding change: c.584del on transcript NM_144997.7 (MANE Select); coding-DNA position 584, one base deleted (G; older notation c.584delG).
Protein change: p.Gly195fs; shifts the reading frame from glycine 195.
Molecular consequence: frameshift variant.
Genome position (GRCh38, 1-based): chr17:17,223,956, C deleted on the plus strand (G on the coding strand, the reverse complement: FLCN is on the minus strand); the first of 4 consecutive C bases (chr17:17,223,956-17,223,959); deleting any one gives the same sequence. VCF-style (leftmost placement, unchanged base first): chr17-17223955-TC-T. GRCh37 (hg19) VCF-style: chr17-17127269-TC-T.
Other names: c.584del (LRG_325t1, NM_144997.5); c.638del, p.Gly213fs (NM_001353229.2); c.584del, p.Gly195fs (NM_001353230.2, NM_001353231.2, NM_144606.7); short protein forms G195fs, G213fs.
Identifiers: ClinVar variation 241927 (VCV000241927.21), dbSNP rs878855217, ClinGen allele CA10583457.